The following is an entry in ClinVar:

NM_013275.6(ANKRD11):c.3736C>T (p.His1246Tyr)

Gene: ANKRD11 (ankyrin repeat domain containing 11; minus strand). Cytogenetic location: 16q24.3.
Variant type: single nucleotide variant.
Coding change: c.3736C>T on transcript NM_013275.6 (MANE Select); coding-DNA position 3736, C replaced by T.
Protein change: p.His1246Tyr; replaces histidine 1246 with tyrosine.
Molecular consequence: missense variant.
Genome position (GRCh38, 1-based): chr16:89,282,806, G>A on the plus strand (C>T on the coding strand, the complement: ANKRD11 is on the minus strand). VCF-style: chr16-89282806-G-A. GRCh37 (hg19) VCF-style: chr16-89349214-G-A.
Other names: c.3736C>T, p.His1246Tyr (NM_001256182.2, NM_001256183.2); short protein forms H1246Y.
Identifiers: ClinVar variation 588113 (VCV000588113.5), dbSNP rs1170311302, ClinGen allele CA397159121.
Genomic context (GRCh38, chr16:89,282,806, plus strand): 5'-TGGAATGTTCTTTGTCCGACTTCTCTTTGTGTTTGCTTTTAGCCTTGTCTTCGGCAGCGT[G>A]CTTCTTTTCAGCCTTCTCGGGGAGCTTCTGTTTATTTTTCTTATCTTGCGTGGAGTCCAC-3'
Protein context (NP_037407.4, residues 1236-1256): QKLPEKAEKK[His1246Tyr]AAEDKAKSKH

ClinVar aggregate classification (germline): Uncertain significance (1 of 4 stars; one submission).

Conditions:
Inborn genetic diseases. Identifiers: MedGen C0950123, MeSH D030342.

Allele frequency attached by ClinVar (database versions not stated): gnomAD exomes below 0.00001; TOPMed below 0.00001; gnomAD 0.00001.
gnomAD v4.1: 4 of 1,611,006 alleles (0.00025%); highest among the groups gnomAD compares: African/African-American, 0.0013%; no homozygotes.

Submission:

Ambry Genetics
Classification: Uncertain significance for Inborn genetic diseases. Last evaluated: 2016-07-28. Review status: criteria provided, single submitter. Criteria: Ambry Variant Classification Scheme 2023. Collection method: clinical testing. Allele origin: germline.
Comment: The p.H1246Y variant (also known as c.3736C>T), located in coding exon 7 of the ANKRD11 gene, results from a C to T substitution at nucleotide position 3736. The histidine at codon 1246 is replaced by tyrosine, an amino acid with similar properties. This variant was not reported in population based cohorts in the following databases: Database of Single Nucleotide Polymorphisms (dbSNP), NHLBI Exome Sequencing Project (ESP), and 1000 Genomes Project. In the ESP, this variant was not observed in 6498 samples (12996 alleles) with coverage at this position. This amino acid position is poorly conserved in available vertebrate species. In addition, this alteration is predicted to be tolerated by in silico analysis. Since supporting evidence is limited at this time, the clinical significance of this variant remains unclear.